The following is an entry in ClinVar:

ClinVar aggregate classification (germline): Uncertain significance (1 of 4 stars; one submission).

Conditions:
Kleefstra syndrome 1 (KLEFS1). Identifiers: Orphanet 261494, MedGen C0795833, MONDO:0027407, OMIM 610253.

gnomAD v4.1: 1 of 1,613,954 alleles (0.000062%); highest among the groups gnomAD compares: Non-Finnish European, 0.000085%; no homozygotes.

Submission:

Labcorp Genetics (formerly Invitae), Labcorp
Classification: Uncertain significance for Kleefstra syndrome 1. Last evaluated: 2025-12-14. Review status: criteria provided, single submitter. Criteria: Invitae Variant Classification Sherloc (09022015). Collection method: clinical testing. Allele origin: germline.
Comment: This sequence change replaces serine, which is neutral and polar, with tryptophan, which is neutral and slightly polar, at codon 661 of the EHMT1 protein (p.Ser661Trp). This variant is not present in population databases (gnomAD no frequency). This variant has not been reported in the literature in individuals affected with EHMT1-related conditions. An algorithm developed to predict the effect of missense changes on protein structure and function (PolyPhen-2) suggests that this variant is likely to be disruptive. Algorithms developed to predict the effect of sequence changes on RNA splicing suggest that this variant may create or strengthen a splice site. In summary, the available evidence is currently insufficient to determine the role of this variant in disease. Therefore, it has been classified as a Variant of Uncertain Significance.

NM_024757.5(EHMT1):c.1982C>G (p.Ser661Trp)

Gene: EHMT1 (euchromatic histone lysine methyltransferase 1; plus strand). Cytogenetic location: 9q34.3.
Variant type: single nucleotide variant.
Coding change: c.1982C>G on transcript NM_024757.5 (MANE Select); coding-DNA position 1982, C replaced by G.
Protein change: p.Ser661Trp; replaces serine 661 with tryptophan.
Molecular consequence: missense variant.
Genome position (GRCh38, 1-based): chr9:137,776,808, C>G. VCF-style: chr9-137776808-C-G. GRCh37 (hg19) VCF-style: chr9-140671260-C-G.
Other names: c.1982C>G, p.Ser661Trp (NM_001145527.2); c.1889C>G, p.Ser630Trp (NM_001354259.2); c.1961C>G, p.Ser654Trp (NM_001354263.2); short protein forms S654W, S630W, S661W.
Identifiers: ClinVar variation 4772405 (VCV004772405.1).